The following is an entry in ClinVar:

ClinVar aggregate classification (germline): Uncertain significance (1 of 4 stars; one submission).

Conditions:
Cardiovascular phenotype. Identifiers: MedGen CN230736.

Submission:

Ambry Genetics
Classification: Uncertain significance for Cardiovascular phenotype. Last evaluated: 2023-04-22. Review status: criteria provided, single submitter. Criteria: Ambry Variant Classification Scheme 2023. Collection method: clinical testing. Allele origin: germline.
Comment: The p.K422E variant (also known as c.1264A>G), located in coding exon 12 of the PRKAG2 gene, results from an A to G substitution at nucleotide position 1264. The lysine at codon 422 is replaced by glutamic acid, an amino acid with similar properties. This amino acid position is conserved. In addition, the in silico prediction for this alteration is inconclusive. Since supporting evidence is limited at this time, the clinical significance of this alteration remains unclear.

NM_016203.4(PRKAG2):c.1264A>G (p.Lys422Glu)

Gene: PRKAG2 (protein kinase AMP-activated non-catalytic subunit gamma 2; minus strand). Cytogenetic location: 7q36.1.
Variant type: single nucleotide variant.
Coding change: c.1264A>G on transcript NM_016203.4 (MANE Select); coding-DNA position 1264, A replaced by G.
Protein change: p.Lys422Glu; replaces lysine 422 with glutamic acid.
Molecular consequence: missense variant.
Genome position (GRCh38, 1-based): chr7:151,565,855, T>C on the plus strand (A>G on the coding strand, the complement: PRKAG2 is on the minus strand). VCF-style: chr7-151565855-T-C. GRCh37 (hg19) VCF-style: chr7-151262941-T-C.
Other names: c.1132A>G, p.Lys378Glu (NM_001040633.2, NM_001407024.1); c.889A>G, p.Lys297Glu (NM_001304527.2, NM_001407029.1); c.541A>G, p.Lys181Glu (NM_001304531.2, NM_001407034.1, NM_001407035.1 and 1 more transcripts); c.892A>G, p.Lys298Glu (NM_001363698.2, NM_001407028.1); c.1264A>G, p.Lys422Glu (NM_001407021.1); c.1261A>G, p.Lys421Glu (NM_001407022.1, NM_001407023.1); c.1129A>G, p.Lys377Glu (NM_001407026.1, NM_001407027.1); c.976A>G, p.Lys326Glu (NM_001407030.1); and 6 more; short protein forms K297E, K325E, K377E, K180E, K181E, K314E, K316E, K326E.
Identifiers: ClinVar variation 2567233 (VCV002567233.2), dbSNP rs2536297482, ClinGen allele CA370071210.
Genomic context (GRCh38, chr7:151,565,855, plus strand): 5'-CTGGATGTATGAAGGCAATGTTGTGGTACGTTCCTATTCCAAGCTCATCCAGGTTCTGCT[T>C]CATGAAGGCAGGCTTTGGCATATCAGACATCTAAACGGAAGATAAACGCAAACGTTCTAG-3'
Protein context (NP_057287.2, residues 412-432): MSDMPKPAFM[Lys422Glu]QNLDELGIGT